The following is an entry in ClinVar:

NM_002691.4(POLD1):c.753G>T (p.Glu251Asp)

Gene: POLD1 (DNA polymerase delta 1, catalytic subunit; plus strand). Cytogenetic location: 19q13.33.
Variant type: single nucleotide variant.
Coding change: c.753G>T on transcript NM_002691.4 (MANE Select); coding-DNA position 753, G replaced by T.
Protein change: p.Glu251Asp; replaces glutamic acid 251 with aspartic acid.
Molecular consequence: missense variant. On other transcripts: non-coding transcript variant (1).
Genome position (GRCh38, 1-based): chr19:50,402,368, G>T. VCF-style: chr19-50402368-G-T. GRCh37 (hg19) VCF-style: chr19-50905625-G-T.
Other names: c.753G>T, p.Glu251Asp (NM_001256849.1, NM_001308632.1); short protein forms E251D.
Identifiers: ClinVar variation 1759438 (VCV001759438.5), dbSNP rs1555790068, ClinGen allele CA406974669.

ClinVar aggregate classification (germline): Uncertain significance. Review status: criteria provided, multiple submitters, no conflicts (2 of 4 stars). 2 submissions from 2 submitters: Uncertain significance (2). Last evaluated 2023-10-06.

Conditions:
Hereditary cancer-predisposing syndrome. Also called: Neoplastic Syndromes, Hereditary; Tumor predisposition; Hereditary neoplastic syndrome; Hereditary Cancer Syndrome. Identifiers: Orphanet 140162, MedGen C0027672, MeSH D009386, MONDO:0015356.
POLD1-related polyposis and colorectal cancer syndrome (CRCS10). Also called: COLORECTAL CANCER, SUSCEPTIBILITY TO, ON CHROMOSOME 19q; Colorectal cancer 10; Colorectal cancer, susceptibility to, 10. Identifiers: Orphanet 220460, MedGen C2675481, MONDO:0012953, OMIM 612591.

Submissions (2):

Labcorp Genetics (formerly Invitae), Labcorp
Classification: Uncertain significance for POLD1-related polyposis and colorectal cancer syndrome. Last evaluated: 2023-10-06. Review status: criteria provided, single submitter. Criteria: Invitae Variant Classification Sherloc (09022015). Collection method: clinical testing. Allele origin: germline.
Comment: This sequence change replaces glutamic acid, which is acidic and polar, with aspartic acid, which is acidic and polar, at codon 251 of the POLD1 protein (p.Glu251Asp). This variant is not present in population databases (gnomAD no frequency). This variant has not been reported in the literature in individuals affected with POLD1-related conditions. ClinVar contains an entry for this variant (Variation ID: 1759438). Advanced modeling of protein sequence and biophysical properties (such as structural, functional, and spatial information, amino acid conservation, physicochemical variation, residue mobility, and thermodynamic stability) performed at Invitae indicates that this missense variant is not expected to disrupt POLD1 protein function. In summary, the available evidence is currently insufficient to determine the role of this variant in disease. Therefore, it has been classified as a Variant of Uncertain Significance.

Ambry Genetics
Classification: Uncertain significance for Hereditary cancer-predisposing syndrome. Last evaluated: 2022-07-04. Review status: criteria provided, single submitter. Criteria: Ambry Variant Classification Scheme 2023. Collection method: clinical testing. Allele origin: germline.
Comment: The p.E251D variant (also known as c.753G>T), located in coding exon 5 of the POLD1 gene, results from a G to T substitution at nucleotide position 753. The glutamic acid at codon 251 is replaced by aspartic acid, an amino acid with highly similar properties. This amino acid position is conserved. In addition, this alteration is predicted to be tolerated by in silico analysis. Since supporting evidence is limited at this time, the clinical significance of this alteration remains unclear.